The following is an entry in ClinVar:

ClinVar aggregate classification (germline): Benign. Review status: criteria provided, multiple submitters, no conflicts (2 of 4 stars). 5 submissions from 4 submitters: Benign (5). Last evaluated 2024-11-26.

Conditions:
Autosomal recessive Alport syndrome (ATS2). Also called: ALPORT SYNDROME 2, AUTOSOMAL RECESSIVE; Alport syndrome type 2; COL4A4 Alport Syndrome and Thin Basement Membrane Nephropathy; COL4A3-Related Nephropathy. Identifiers: Orphanet 63, Orphanet 88919, MedGen C4746745, MONDO:0008762, OMIM 203780.
Autosomal dominant Alport syndrome (ATS3A). Also called: Alport syndrome dominant type; Renal failure and sensorineural hearing loss; ALPORT SYNDROME 3A, AUTOSOMAL DOMINANT. Identifiers: Orphanet 63, Orphanet 88918, MedGen C5882663, MONDO:0007086, OMIM 104200.

Submissions (5):

Blueprint Genetics
Classification: Benign. Last evaluated: 2024-11-26. Review status: criteria provided, single submitter. Criteria: ACMG Guidelines, 2015. Collection method: clinical testing. Allele origin: germline.

Molecular Genetics, Royal Melbourne Hospital
Classification: Benign for Autosomal recessive Alport syndrome. Last evaluated: 2023-03-30. Review status: criteria provided, single submitter. Criteria: ACMG Guidelines, 2015. Collection method: clinical testing. Allele origin: germline. Affected: yes.
Comment: Population allele frequency is 49% (rs535370229, 117,552/237,550 alleles in gnomAD v2.1). Based on the classification scheme RMH ACMG Guidelines v1.1.1, this variant is classified as Benign. Following criteria met: BA1

Genome-Nilou Lab
Classification: Benign for Autosomal recessive Alport syndrome. Last evaluated: 2021-07-30. Review status: criteria provided, single submitter. Criteria: ACMG Guidelines, 2015. Collection method: clinical testing. Allele origin: germline. Affected: no.

Genome-Nilou Lab
Classification: Benign for Autosomal dominant Alport syndrome. Last evaluated: 2021-07-30. Review status: criteria provided, single submitter. Criteria: ACMG Guidelines, 2015. Collection method: clinical testing. Allele origin: germline. Affected: no.

GeneDx
Classification: Benign. Last evaluated: 2019-08-06. Review status: criteria provided, single submitter. Criteria: GeneDx Variant Classification Process June 2021. Collection method: clinical testing. Allele origin: germline. Affected: yes.

NM_000091.5(COL4A3):c.3419-4del

Genes: COL4A3 (collagen type IV alpha 3 chain; plus strand), MFF-DT (MFF divergent transcript; minus strand). Cytogenetic location: 2q36.3.
Variant type: Deletion.
Coding change: c.3419-4del on transcript NM_000091.5 (MANE Select); 4 bases into the intron before coding-DNA position 3419, one base deleted (T; older notation c.3419-4delT).
Molecular consequence: intron variant.
Genome position (GRCh38, 1-based): chr2:227,294,960, T deleted; the last of 16 consecutive T bases (chr2:227,294,945-227,294,960); deleting any one gives the same sequence. VCF-style (leftmost placement, unchanged base first): chr2-227294944-GT-G. GRCh37 (hg19) VCF-style: chr2-228159660-GT-G.
Other names: c.3419-4delT (NM_000091.4, NM_000091.5).
Identifiers: ClinVar variation 1246467 (VCV001246467.7), dbSNP rs35803812, ClinGen allele CA2147234.